The following is an entry in ClinVar:

NM_182476.3(COQ6):c.613-5T>C

Genes: COQ6 (coenzyme Q6, monooxygenase; plus strand), ENTPD5 (ectonucleoside triphosphate diphosphohydrolase 5; minus strand). Cytogenetic location: 14q24.3.
Variant type: single nucleotide variant.
Coding change: c.613-5T>C on transcript NM_182476.3 (MANE Select); 5 bases into the intron before coding-DNA position 613, T replaced by C.
Molecular consequence: intron variant. On other transcripts: 3 prime UTR variant (3).
Genome position (GRCh38, 1-based): chr14:73,958,966, T>C. VCF-style: chr14-73958966-T-C. GRCh37 (hg19) VCF-style: chr14-74425669-T-C.
Other names: c.*564A>G (NM_001330189.2, NM_001382259.1, NM_001382260.1); c.538-5T>C (NM_001425258.1, NM_182480.3); c.388-5T>C (NM_001425259.1, NM_001425261.1, NM_001425260.1); c.286-5T>C (NM_001425263.1); c.613-5T>C (NM_001425255.1, NM_001425256.1); c.73-5T>C (NM_001425265.1, NM_001425264.1); c.358-5T>C (NM_001425262.1); c.448-5T>C (NM_001425257.1); and 2 more.
Identifiers: ClinVar variation 788803 (VCV000788803.24), dbSNP rs369230323, ClinGen allele CA7264263.

ClinVar aggregate classification (germline): Conflicting classifications of pathogenicity. Review status: criteria provided, conflicting classifications (1 of 4 stars). 2 submissions from 2 submitters: Uncertain significance (1); Likely benign (1). Last evaluated 2024-03-01.

Allele frequency attached by ClinVar (database versions not stated): gnomAD 0.00010 and 0.00009; gnomAD exomes 0.00011 and 0.00006; ESP Exome Variant Server 0.00023; TOPMed 0.00009; ExAC 0.00004.
gnomAD v4.1: 175 of 1,613,556 alleles (0.011%); highest among the groups gnomAD compares: Non-Finnish European, 0.013%; no homozygotes.

Submissions (2):

CeGaT Center for Human Genetics Tuebingen
Classification: Uncertain significance. Last evaluated: 2024-03-01. Review status: criteria provided, single submitter. Criteria: CeGaT Center For Human Genetics Tuebingen Variant Classification Criteria Version 2. Collection method: clinical testing. Allele origin: germline. Affected: yes. Observed: 1 variant allele.
Comment: COQ6: PM2, BP4

Labcorp Genetics (formerly Invitae), Labcorp
Classification: Likely benign. Last evaluated: 2017-10-04. Review status: criteria provided, single submitter. Criteria: Invitae Variant Classification Sherloc (09022015). Collection method: clinical testing. Allele origin: germline.